The following is an entry in ClinVar:

ClinVar aggregate classification (germline): Benign/Likely benign. Review status: criteria provided, multiple submitters, no conflicts (2 of 4 stars). 2 submissions from 2 submitters: Benign (1); Likely benign (1). Last evaluated 2024-03-25.

Conditions:
Hereditary cancer-predisposing syndrome. Also called: Hereditary Cancer Syndrome; Neoplastic Syndromes, Hereditary; Hereditary neoplastic syndrome; Tumor predisposition. Identifiers: Orphanet 140162, MedGen C0027672, MeSH D009386, MONDO:0015356.
Familial adenomatous polyposis 1 (FAP1). Also called: FAMILIAL ADENOMATOUS POLYPOSIS 1, ATTENUATED; POLYPOSIS, ADENOMATOUS INTESTINAL. Identifiers: MedGen C2713442, MONDO:0021056, OMIM 175100. Disease mechanism: loss of function.

Submissions (2):

Myriad Genetics, Inc.
Classification: Benign for Familial adenomatous polyposis 1. Last evaluated: 2024-03-25. Review status: criteria provided, single submitter. Criteria: Myriad Autosomal Dominant, Autosomal Recessive and X-Linked Classification Criteria (2023). Collection method: clinical testing. Allele origin: unknown.
Comment: This variant is considered benign. This variant is a silent/synonymous amino acid change and it is not expected to impact splicing.

Ambry Genetics
Classification: Likely benign for Hereditary cancer-predisposing syndrome. Last evaluated: 2016-12-16. Review status: criteria provided, single submitter. Criteria: Ambry Variant Classification Scheme 2023. Collection method: clinical testing. Allele origin: germline.

NM_000038.6(APC):c.4029T>A (p.Ser1343=)

Gene: APC (APC regulator of Wnt signaling pathway; plus strand). Cytogenetic location: 5q22.2.
Variant type: single nucleotide variant.
Coding change: c.4029T>A on transcript NM_000038.6 (MANE Select); coding-DNA position 4029, T replaced by A.
Protein change: p.Ser1343=; no amino-acid change (serine 1343 retained).
Molecular consequence: synonymous variant.
Genome position (GRCh38, 1-based): chr5:112,839,623, T>A. VCF-style: chr5-112839623-T-A. GRCh37 (hg19) VCF-style: chr5-112175320-T-A.
Other names: c.4029T>A, p.Ser1343= (NM_001127510.3, NM_001354895.2); c.3975T>A, p.Ser1325= (NM_001127511.3); c.4083T>A, p.Ser1361= (NM_001354896.2); c.4059T>A, p.Ser1353= (NM_001354897.2); c.3954T>A, p.Ser1318= (NM_001354898.2); c.3945T>A, p.Ser1315= (NM_001354899.2); c.3906T>A, p.Ser1302= (NM_001354900.2); c.3852T>A, p.Ser1284= (NM_001354901.2); and 5 more.
Identifiers: ClinVar variation 428187 (VCV000428187.5), dbSNP rs1114167618, ClinGen allele CA445964049.